The following is an entry in ClinVar:

NM_006904.7(PRKDC):c.2845C>T (p.Pro949Ser)

Gene: PRKDC (protein kinase, DNA-activated, catalytic subunit; minus strand). Cytogenetic location: 8q11.21.
Variant type: single nucleotide variant.
Coding change: c.2845C>T on transcript NM_006904.7 (MANE Select); coding-DNA position 2845, C replaced by T.
Protein change: p.Pro949Ser; replaces proline 949 with serine.
Molecular consequence: missense variant.
Genome position (GRCh38, 1-based): chr8:47,912,499, G>A on the plus strand (C>T on the coding strand, the complement: PRKDC is on the minus strand). VCF-style: chr8-47912499-G-A. GRCh37 (hg19) VCF-style: chr8-48825059-G-A.
Other names: c.2845C>T, p.Pro949Ser (NM_001081640.2); short protein forms P949S.
Identifiers: ClinVar variation 3225814 (VCV003225814.3), dbSNP rs772980444, ClinGen allele CA4741353.

ClinVar aggregate classification (germline): Uncertain significance. Review status: criteria provided, multiple submitters, no conflicts (2 of 4 stars). 2 submissions from 2 submitters: Uncertain significance (2). Last evaluated 2026-05-19.

Conditions:
PRKDC-related disorder. Also called: PRKDC-related condition.

Allele frequency attached by ClinVar (database versions not stated): gnomAD exomes below 0.00001; TOPMed below 0.00001; ExAC 0.00001.
gnomAD v4.1: 3 of 1,612,622 alleles (0.00019%); highest among the groups gnomAD compares: South Asian, 0.0022%; no homozygotes.

Submissions (2):

PreventionGenetics, part of Exact Sciences
Classification: Uncertain significance for PRKDC-related condition. Last evaluated: 2026-05-19. Review status: criteria provided, single submitter. Criteria: ACMG Guidelines, 2015. Collection method: clinical testing. Allele origin: germline.
Comment: The PRKDC c.2845C>T variant is predicted to result in the amino acid substitution p.Pro949Ser. To our knowledge, this variant has not been reported in the literature. This variant is reported in 0.0033% of alleles in individuals of South Asian descent in gnomAD. At this time, the clinical significance of this variant is uncertain due to the absence of conclusive functional and genetic evidence.

Ambry Genetics
Classification: Uncertain significance. Last evaluated: 2025-12-04. Review status: criteria provided, single submitter. Criteria: Ambry Variant Classification Scheme 2023. Collection method: clinical testing. Allele origin: germline.